The following is an entry in ClinVar:

ClinVar aggregate classification (germline): Uncertain significance (1 of 4 stars; one submission).

Allele frequency attached by ClinVar (database versions not stated): gnomAD exomes below 0.00001.
gnomAD v4.1: 2 of 1,588,914 alleles (0.00013%); highest among the groups gnomAD compares: Non-Finnish European, 0.00017%; no homozygotes.

Submission:

Labcorp Genetics (formerly Invitae), Labcorp
Classification: Uncertain significance. Last evaluated: 2022-10-24. Review status: criteria provided, single submitter. Criteria: Invitae Variant Classification Sherloc (09022015). Collection method: clinical testing. Allele origin: germline.
Comment: In summary, the available evidence is currently insufficient to determine the role of this variant in disease. Therefore, it has been classified as a Variant of Uncertain Significance. Algorithms developed to predict the effect of missense changes on protein structure and function are either unavailable or do not agree on the potential impact of this missense change (SIFT: "Tolerated"; PolyPhen-2: "Possibly Damaging"; Align-GVGD: "Class C0"). ClinVar contains an entry for this variant (Variation ID: 1519707). This variant has not been reported in the literature in individuals affected with HELLS-related conditions. This variant is not present in population databases (gnomAD no frequency). This sequence change replaces threonine, which is neutral and polar, with isoleucine, which is neutral and non-polar, at codon 625 of the HELLS protein (p.Thr625Ile).

NM_018063.5(HELLS):c.1874C>T (p.Thr625Ile)

Gene: HELLS (helicase, lymphoid specific; plus strand). Cytogenetic location: 10q23.33.
Variant type: single nucleotide variant.
Coding change: c.1874C>T on transcript NM_018063.5 (MANE Select); coding-DNA position 1874, C replaced by T.
Protein change: p.Thr625Ile; replaces threonine 625 with isoleucine.
Molecular consequence: missense variant.
Genome position (GRCh38, 1-based): chr10:94,592,417, C>T. VCF-style: chr10-94592417-C-T. GRCh37 (hg19) VCF-style: chr10-96352174-C-T.
Other names: c.2012C>T, p.Thr671Ile (NM_001289067.2); c.1826C>T, p.Thr609Ile (NM_001289068.2); c.1778C>T, p.Thr593Ile (NM_001289069.2); c.1580C>T, p.Thr527Ile (NM_001289070.2); c.1502C>T, p.Thr501Ile (NM_001289071.2); c.1484C>T, p.Thr495Ile (NM_001289072.2); c.1460C>T, p.Thr487Ile (NM_001289073.2); c.791C>T, p.Thr264Ile (NM_001289074.2); and 1 more; short protein forms T264I, T495I, T527I, T219I, T593I, T671I, T501I, T487I.
Identifiers: ClinVar variation 1519707 (VCV001519707.6), dbSNP rs1845538501, ClinGen allele CA377667151.